The following is an entry in ClinVar:

ClinVar aggregate classification (germline): Pathogenic (1 of 4 stars; one submission).

Conditions:
Primary ciliary dyskinesia 3. Identifiers: Orphanet 244, MedGen C1837618, MONDO:0012085, OMIM 608644.

Submission:

Myriad Genetics, Inc.
Classification: Pathogenic for Primary ciliary dyskinesia 3. Last evaluated: 2023-09-27. Review status: criteria provided, single submitter. Criteria: Myriad Autosomal Dominant, Autosomal Recessive and X-Linked Classification Criteria (2023). Collection method: clinical testing. Allele origin: unknown.
Comment: NM_001369.2(DNAH5):c.12289dupG(A4097Gfs*11) is expected to be pathogenic in the context of primary ciliary dyskinesia, DNAH5-related. This variant is predicted to lead to an abnormal or absent protein product due to the creation of a premature termination codon in DNAH5, a gene where loss-of-function variants are known to be pathogenic. Please note: this variant was assessed in the context of healthy population screening.

NM_001369.3(DNAH5):c.12289dup (p.Ala4097fs)

Gene: DNAH5 (dynein axonemal heavy chain 5; minus strand). Cytogenetic location: 5p15.2.
Variant type: Duplication.
Coding change: c.12289dup on transcript NM_001369.3 (MANE Select); coding-DNA position 12289, one base duplicated (G; older notation c.12289dupG).
Protein change: p.Ala4097fs; shifts the reading frame from alanine 4097.
Molecular consequence: frameshift variant.
Genome position (GRCh38, 1-based): chr5:13,719,092, C duplicated on the plus strand (G on the coding strand, the reverse complement: DNAH5 is on the minus strand); the first of 3 consecutive C bases (chr5:13,719,092-13,719,094); duplicating any one gives the same sequence. VCF-style (leftmost placement, unchanged base first): chr5-13719091-G-GC. GRCh37 (hg19) VCF-style: chr5-13719200-G-GC.
Other names: short protein forms A4097fs.
Identifiers: ClinVar variation 5012131 (VCV005012131.1).